The following is an entry in ClinVar:

ClinVar aggregate classification (germline): Benign/Likely benign. Review status: criteria provided, multiple submitters, no conflicts (2 of 4 stars). 22 submissions from 22 submitters: Benign (3); Likely benign (14). 5 of the submissions do not count toward it. Last evaluated 2026-06-01.

Conditions:
Hereditary nonpolyposis colorectal neoplasms. Identifiers: MedGen C0009405, MeSH D003123.
Breast and/or ovarian cancer. Identifiers: MedGen CN221562.
Hereditary cancer-predisposing syndrome. Also called: Tumor predisposition; Neoplastic Syndromes, Hereditary; Hereditary Cancer Syndrome; Hereditary neoplastic syndrome. Identifiers: Orphanet 140162, MedGen C0027672, MeSH D009386, MONDO:0015356.
Lynch syndrome. Identifiers: Orphanet 144, MedGen C4552100, MONDO:0005835. Disease mechanism: loss of function.
Lynch syndrome 4 (LYNCH4). Also called: Hereditary non-polyposis colorectal cancer, type 4; Colorectal cancer, hereditary nonpolyposis, type 4. Identifiers: Orphanet 144, MedGen C1838333, MONDO:0013699, OMIM 614337. Disease mechanism: loss of function.
Endometrial carcinoma. Also called: Endometrial carcinoma, somatic. Identifiers: MedGen C0476089, MONDO:0002447, OMIM 608089, HP:0012114.

Allele frequency attached by ClinVar (database versions not stated): TOPMed 0.00012; gnomAD 0.00013 and 0.00011; gnomAD exomes 0.00018 and 0.00019; ExAC 0.00022.
gnomAD v4.1: 290 of 1,600,630 alleles (0.018%); highest among the groups gnomAD compares: Non-Finnish European, 0.023%; no homozygotes.

Submissions (22):

CeGaT Center for Human Genetics Tuebingen
Classification: Likely benign. Last evaluated: 2026-06-01. Review status: criteria provided, single submitter. Criteria: CeGaT Center For Human Genetics Tuebingen Variant Classification Criteria Version 2. Collection method: clinical testing. Allele origin: germline. Affected: yes. Observed: 6 variant alleles.
Comment: PMS2: BP1, BP4

Labcorp Genetics (formerly Invitae), Labcorp
Classification: Likely benign for Hereditary nonpolyposis colorectal neoplasms. Last evaluated: 2026-02-03. Review status: criteria provided, single submitter. Criteria: Invitae Variant Classification Sherloc (09022015). Collection method: clinical testing. Allele origin: germline.

Center for Genomic Medicine, Rigshospitalet, Copenhagen University Hospital
Classification: Likely benign. Last evaluated: 2025-03-04. Review status: criteria provided, single submitter. Criteria: ACMG Guidelines, 2015. Collection method: clinical testing. Allele origin: germline.

Blueprint Genetics
Classification: Likely benign. Last evaluated: 2024-10-21. Review status: criteria provided, single submitter. Criteria: ACMG Guidelines, 2015. Collection method: clinical testing. Allele origin: germline.

Hereditary Cancer Laboratory, Hospital Universitario 12 de Octubre
Classification: Likely benign for Hereditary cancer-predisposing syndrome. Last evaluated: 2024-03-03. Review status: criteria provided, single submitter. Criteria: ACMG Guidelines, 2015. Collection method: clinical testing. Allele origin: germline.
Comment: BP6+BP4+BP7+PM2

All of Us Research Program, National Institutes of Health
Classification: Likely benign for Lynch syndrome. Last evaluated: 2024-02-05. Review status: criteria provided, single submitter. Criteria: ACMG Guidelines, 2015. Collection method: clinical testing. Allele origin: germline. Inheritance: Autosomal dominant inheritance. Observed: 74 variant alleles, 74 heterozygotes.
Comment: This study involves interpretation of variants in research participants for the purpose of population health screening. Participant phenotype was not available at the time of variant classification. Additional details can be found in publication PMID: 35346344, PMCID: PMC8962531

Quest Diagnostics Nichols Institute San Juan Capistrano
Classification: Likely benign. Last evaluated: 2023-09-15. Review status: criteria provided, single submitter. Criteria: Quest Diagnostics criteria. Collection method: clinical testing. Allele origin: unknown.

Myriad Genetics, Inc.
Classification: Benign for Lynch syndrome 4. Last evaluated: 2023-04-04. Review status: criteria provided, single submitter. Criteria: Myriad Autosomal Dominant, Autosomal Recessive and X-Linked Classification Criteria (2023). Collection method: clinical testing. Allele origin: unknown.
Comment: This variant is considered benign. This variant is a silent/synonymous amino acid change and it is not expected to impact splicing.

Ambry Genetics
Classification: Likely benign for Hereditary cancer-predisposing syndrome. Last evaluated: 2023-01-17. Review status: criteria provided, single submitter. Criteria: Ambry Variant Classification Scheme 2023. Collection method: clinical testing. Allele origin: germline.

CHEO Genetics Diagnostic Laboratory, Children's Hospital of Eastern Ontario
Classification: Likely benign for Breast and/or ovarian cancer. Last evaluated: 2022-11-21. Review status: criteria provided, single submitter. Criteria: ACMG Guidelines, 2015. Collection method: clinical testing. Allele origin: germline.

Genetic Services Laboratory, University of Chicago
Classification: Likely benign. Last evaluated: 2021-10-08. Review status: criteria provided, single submitter. Criteria: ACMG Guidelines, 2015. Collection method: clinical testing. Allele origin: germline. Affected: no.

Sema4
Classification: Likely benign for Hereditary cancer-predisposing syndrome. Last evaluated: 2021-03-19. Review status: criteria provided, single submitter. Criteria: Sema4 Curation Guidelines. Collection method: curation. Allele origin: germline.

Women's Health and Genetics/Laboratory Corporation of America, LabCorp
Classification: Benign. Last evaluated: 2021-03-01. Review status: criteria provided, single submitter. Criteria: LabCorp Variant Classification Summary - May 2015. Collection method: clinical testing. Allele origin: germline.

Mendelics
Classification: Likely benign for Lynch syndrome 4. Last evaluated: 2019-05-28. Review status: criteria provided, single submitter. Criteria: Mendelics Assertion Criteria 2017. Collection method: clinical testing. Allele origin: unknown.

PreventionGenetics, part of Exact Sciences
Classification: Likely benign. Last evaluated: 2017-04-03. Review status: criteria provided, single submitter. Criteria: ACMG Guidelines, 2015. Collection method: clinical testing. Allele origin: germline.

Color Diagnostics, LLC DBA Color Health
Classification: Likely benign for Hereditary cancer-predisposing syndrome. Last evaluated: 2015-04-02. Review status: criteria provided, single submitter. Criteria: ACMG Guidelines, 2015. Collection method: clinical testing. Allele origin: germline.

GeneDx
Classification: Benign. Last evaluated: 2014-08-06. Review status: criteria provided, single submitter. Criteria: GeneDx Variant Classification (06012015). Collection method: clinical testing. Allele origin: germline. Affected: yes.
Comment: This variant is considered likely benign or benign based on one or more of the following criteria: it is a conservative change, it occurs at a poorly conserved position in the protein, it is predicted to be benign by multiple in silico algorithms, and/or has population frequency not consistent with disease.

Institute for Biomarker Research, Medical Diagnostic Laboratories, L.L.C.
Classification: Likely benign for Hereditary cancer-predisposing syndrome. Last evaluated: 2021-12-21. Review status: no assertion criteria provided. Collection method: clinical testing. Allele origin: germline. Not counted in ClinVar's aggregate classification.

Counsyl
Classification: Likely benign for Lynch syndrome 4. Last evaluated: 2017-10-16. Review status: no assertion criteria provided. Collection method: clinical testing. Allele origin: unknown. Not counted in ClinVar's aggregate classification.

Department of Pathology and Laboratory Medicine, Sinai Health System
Classification: Likely benign for Endometrial carcinoma. Review status: no assertion criteria provided. Collection method: clinical testing. Allele origin: unknown. Affected: yes. Observed: 1 variant allele. Study: The Canadian Open Genetics Repository (COGR). Not counted in ClinVar's aggregate classification.
Comment: The PMS2 p.Leu85= variant was not identified in the literature nor was it identified in the Genesight-COGR, Cosmic, Insight Colon Cancer Gene Variant Database, Zhejiang Colon Cancer Database, Mismatch Repair Genes Variant Database, and Insight Hereditary Tumors Database. The variant was identified in dbSNP (ID: rs200491279) â€šÃ„ÃºWith Likely benign alleleâ€šÃ„Ã¹, ClinVar (as benign by GeneDx, and likely benign by Ambry Genetics, Invitae and Color Genomics Inc.), Clinvitae (3x), and in control databases in 49 of 269350 chromosomes at a frequency of 0.0002 increasing the likelihood this could be a low frequency benign variant (Genome Aggregation Consortium Feb 27, 2017) being identified in the following populations: Other in 1 of 6368 chromosomes (frequency: 0.0002), Latino in 2 of 34332 chromosomes (frequency: 0.00006), European Non-Finnish in 45 of 123320 chromosomes (frequency: 0.0004) and in South Asian in 1 of 30744 chromosomes (frequency: 0.00003). The p.Leu85 variant is not expected to have clinical significance because it does not result in a change of amino acid and is not located in a known consensus splice site. In addition, in silico or computational prediction software programs (SpliceSiteFinder, MaxEntScan, NNSPLICE, GeneSplicer, HumanSpliceFinder) do not predict a difference in splicing. In summary, based on the above information the clinical significance of this variant cannot be determined with certainty at this time although we would lean towards a more benign role for this variant. This variant is classified as likely benign.

Genome Diagnostics Laboratory, University Medical Center Utrecht
Classification: Likely benign. Review status: no assertion criteria provided. Collection method: clinical testing. Allele origin: germline. Affected: yes. Study: VKGL Data-share Consensus. Not counted in ClinVar's aggregate classification.

Joint Genome Diagnostic Labs from Nijmegen and Maastricht, Radboudumc and MUMC+
Classification: Likely benign. Review status: no assertion criteria provided. Collection method: clinical testing. Allele origin: germline. Affected: yes. Study: VKGL Data-share Consensus. Not counted in ClinVar's aggregate classification.

Literature cited by the submitters: PubMed 26898890 (cited by 3 submitters); PubMed 25986922 (cited by Sema4).

NM_000535.7(PMS2):c.255G>A (p.Leu85=)

Gene: PMS2 (PMS1 homolog 2, mismatch repair system component; minus strand). Cytogenetic location: 7p22.1.
Variant type: single nucleotide variant.
Coding change: c.255G>A on transcript NM_000535.7 (MANE Select); coding-DNA position 255, G replaced by A.
Protein change: p.Leu85=; no amino-acid change (leucine 85 retained).
Molecular consequence: synonymous variant. On other transcripts: 5 prime UTR variant (9), non-coding transcript variant (1), intron variant (2).
Genome position (GRCh38, 1-based): chr7:6,003,788, C>T on the plus strand (G>A on the coding strand, the complement: PMS2 is on the minus strand). VCF-style: chr7-6003788-C-T. GRCh37 (hg19) VCF-style: chr7-6043419-C-T.
Other names: p.L85L:CTG>CTA; c.-151G>A (NM_001322003.2, NM_001322004.2, NM_001322005.2 and 3 more transcripts); c.255G>A, p.Leu85= (NM_001322006.2, NM_001322014.2); c.-630G>A (NM_001322011.2, NM_001322012.2); c.-230G>A (NM_001322015.2); c.35+184G>A (NM_001322008.2, NM_001322007.2).
Identifiers: ClinVar variation 182816 (VCV000182816.83), dbSNP rs200491279, ClinGen allele CA011703.